The following is an entry in ClinVar:

ClinVar aggregate classification (germline): Pathogenic (1 of 4 stars; one submission).

Conditions:
Hyper-IgE recurrent infection syndrome 1, autosomal dominant. Also called: Hyper-IgE recurrent infection syndrome 1; HYPER-IgE SYNDROME 1, AUTOSOMAL DOMINANT, WITH RECURRENT INFECTIONS; JOB SYNDROME; Job's Syndrome; STAT3 Hyper IgE Syndrome. Identifiers: Orphanet 2314, MedGen C2936739, MONDO:0007818, OMIM 147060.
STAT3 gain of function. Identifiers: MedGen C4288261.

Allele frequency attached by ClinVar (database versions not stated): gnomAD 0.00001.
gnomAD v4.1: 1 of 1,613,944 alleles (0.000062%); highest among the groups gnomAD compares: Non-Finnish European, 0.000085%; no homozygotes.

Submission:

Labcorp Genetics (formerly Invitae), Labcorp
Classification: Pathogenic for STAT3 gain of function; Hyper-IgE recurrent infection syndrome 1, autosomal dominant. Last evaluated: 2024-12-16. Review status: criteria provided, single submitter. Criteria: Invitae Variant Classification Sherloc (09022015). Collection method: clinical testing. Allele origin: germline.
Comment: This sequence change replaces arginine, which is basic and polar, with histidine, which is basic and polar, at codon 278 of the STAT3 protein (p.Arg278His). This variant is not present in population databases (gnomAD no frequency). This missense change has been observed in individual(s) with autoimmune lymphoproliferative syndrome like disease and/or clinical features of autosomal dominant STAT3 gain-of-function (PMID: 28579554, 34390446). In at least one individual the variant was observed to be de novo. ClinVar contains an entry for this variant (Variation ID: 850251). Invitae Evidence Modeling of protein sequence and biophysical properties (such as structural, functional, and spatial information, amino acid conservation, physicochemical variation, residue mobility, and thermodynamic stability) indicates that this missense variant is not expected to disrupt STAT3 protein function with a negative predictive value of 80%. Experimental studies have shown that this missense change affects STAT3 function (PMID: 28579554). For these reasons, this variant has been classified as Pathogenic.

Literature cited by the submitters: PubMed 28579554; PubMed 34390446.

NM_139276.3(STAT3):c.833G>A (p.Arg278His)

Gene: STAT3 (signal transducer and activator of transcription 3; minus strand). Cytogenetic location: 17q21.2.
Variant type: single nucleotide variant.
Coding change: c.833G>A on transcript NM_139276.3 (MANE Select); coding-DNA position 833, G replaced by A.
Protein change: p.Arg278His; replaces arginine 278 with histidine.
Molecular consequence: missense variant.
Genome position (GRCh38, 1-based): chr17:42,334,014, C>T on the plus strand (G>A on the coding strand, the complement: STAT3 is on the minus strand). VCF-style: chr17-42334014-C-T. GRCh37 (hg19) VCF-style: chr17-40486032-C-T.
Other names: c.833G>A, p.Arg278His (NM_001369512.1, NM_001369513.1, NM_001369514.1 and 7 more transcripts); short protein forms R278H.
Identifiers: ClinVar variation 850251 (VCV000850251.10), dbSNP rs2082128828, ClinGen allele CA399591431.